The following is an entry in ClinVar:

ClinVar aggregate classification (germline): Conflicting classifications of pathogenicity. Review status: criteria provided, conflicting classifications (1 of 4 stars). 2 submissions from 2 submitters: Uncertain significance (1); Likely benign (1). Last evaluated 2025-11-23.

Conditions:
Cardiovascular phenotype. Identifiers: MedGen CN230736.
Long QT syndrome (LQTS). Identifiers: MedGen C0023976, MeSH D008133, MONDO:0002442. Disease mechanism: loss of function. Inheritance: Various modes of inheritance.

Allele frequency attached by ClinVar (database versions not stated): gnomAD exomes below 0.00001 and 0.00002; ExAC 0.00002; gnomAD 0.00011 and 0.00012; TOPMed 0.00013; ESP Exome Variant Server 0.00015.
gnomAD v4.1: 24 of 1,614,140 alleles (0.0015%); highest among the groups gnomAD compares: African/African-American, 0.031%; no homozygotes.

Submissions (2):

Labcorp Genetics (formerly Invitae), Labcorp
Classification: Uncertain significance for Long QT syndrome. Last evaluated: 2025-11-23. Review status: criteria provided, single submitter. Criteria: Invitae Variant Classification Sherloc (09022015). Collection method: clinical testing. Allele origin: germline.
Comment: This sequence change replaces lysine, which is basic and polar, with threonine, which is neutral and polar, at codon 3382 of the AKAP9 protein (p.Lys3382Thr). This variant is present in population databases (rs147033628, gnomAD 0.03%). This variant has not been reported in the literature in individuals affected with AKAP9-related conditions. ClinVar contains an entry for this variant (Variation ID: 951867). An algorithm developed to predict the effect of missense changes on protein structure and function (PolyPhen-2) suggests that this variant is likely to be disruptive. In summary, the available evidence is currently insufficient to determine the role of this variant in disease. Therefore, it has been classified as a Variant of Uncertain Significance.

Ambry Genetics
Classification: Likely benign for Cardiovascular phenotype. Last evaluated: 2025-03-27. Review status: criteria provided, single submitter. Criteria: Ambry Variant Classification Scheme 2023. Collection method: clinical testing. Allele origin: germline.

NM_005751.5(AKAP9):c.10145A>C (p.Lys3382Thr)

Gene: AKAP9 (A-kinase anchoring protein 9; plus strand). Cytogenetic location: 7q21.2.
Variant type: single nucleotide variant.
Coding change: c.10145A>C on transcript NM_005751.5 (MANE Select); coding-DNA position 10145, A replaced by C.
Protein change: p.Lys3382Thr; replaces lysine 3382 with threonine.
Molecular consequence: missense variant.
Genome position (GRCh38, 1-based): chr7:92,097,104, A>C. VCF-style: chr7-92097104-A-C. GRCh37 (hg19) VCF-style: chr7-91726418-A-C.
Other names: c.4790A>C, p.Lys1597Thr (NM_001379277.1); c.10121A>C, p.Lys3374Thr (NM_147185.3); short protein forms K3382T, K1597T, K3374T.
Identifiers: ClinVar variation 951867 (VCV000951867.13), dbSNP rs147033628, ClinGen allele CA4337902.